The following is an entry in ClinVar:

NM_001429.4(EP300):c.2188A>G (p.Thr730Ala)

Gene: EP300 (EP300 lysine acetyltransferase; plus strand). Cytogenetic location: 22q13.2.
Variant type: single nucleotide variant.
Coding change: c.2188A>G on transcript NM_001429.4 (MANE Select); coding-DNA position 2188, A replaced by G.
Protein change: p.Thr730Ala; replaces threonine 730 with alanine.
Molecular consequence: missense variant.
Genome position (GRCh38, 1-based): chr22:41,147,893, A>G. VCF-style: chr22-41147893-A-G. GRCh37 (hg19) VCF-style: chr22-41543897-A-G.
Other names: c.2110A>G, p.Thr704Ala (NM_001362843.2); short protein forms T704A, T730A.
Identifiers: ClinVar variation 2772727 (VCV002772727.3), dbSNP rs2059021271, ClinGen allele CA411690070.

ClinVar aggregate classification (germline): Uncertain significance (1 of 4 stars; one submission).

Conditions:
Rubinstein-Taybi syndrome due to EP300 haploinsufficiency. Also called: EP300-Related Rubinstein-Taybi Syndrome; RUBINSTEIN-TAYBI SYNDROME 2. Identifiers: Orphanet 353284, Orphanet 783, MedGen C3150941, MONDO:0013364, OMIM 613684.

Allele frequency attached by ClinVar (database versions not stated): gnomAD exomes below 0.00001; gnomAD 0.00001.
gnomAD v4.1: 3 of 1,613,734 alleles (0.00019%); highest among the groups gnomAD compares: Admixed American, 0.0017%; no homozygotes.

Submission:

Labcorp Genetics (formerly Invitae), Labcorp
Classification: Uncertain significance for Rubinstein-Taybi syndrome due to EP300 haploinsufficiency. Last evaluated: 2023-06-23. Review status: criteria provided, single submitter. Criteria: Invitae Variant Classification Sherloc (09022015). Collection method: clinical testing. Allele origin: germline.
Comment: This sequence change replaces threonine, which is neutral and polar, with alanine, which is neutral and non-polar, at codon 730 of the EP300 protein (p.Thr730Ala). This variant is not present in population databases (gnomAD no frequency). This variant has not been reported in the literature in individuals affected with EP300-related conditions. Advanced modeling of protein sequence and biophysical properties (such as structural, functional, and spatial information, amino acid conservation, physicochemical variation, residue mobility, and thermodynamic stability) performed at Invitae indicates that this missense variant is not expected to disrupt EP300 protein function. In summary, the available evidence is currently insufficient to determine the role of this variant in disease. Therefore, it has been classified as a Variant of Uncertain Significance.